The following is an entry in ClinVar:

NM_001382391.1(CSPP1):c.1801T>C (p.Ser601Pro)

Gene: CSPP1 (centrosome and spindle pole associated protein 1; plus strand). Cytogenetic location: 8q13.2.
Variant type: single nucleotide variant.
Coding change: c.1801T>C on transcript NM_001382391.1 (MANE Select); coding-DNA position 1801, T replaced by C.
Protein change: p.Ser601Pro; replaces serine 601 with proline.
Molecular consequence: missense variant.
Genome position (GRCh38, 1-based): chr8:67,132,054, T>C. VCF-style: chr8-67132054-T-C. GRCh37 (hg19) VCF-style: chr8-68044289-T-C.
Other names: c.904T>C, p.Ser302Pro (NM_001291339.2); c.1720T>C, p.Ser574Pro (NM_001363131.2); c.1759T>C, p.Ser587Pro (NM_001363132.2); c.1678T>C, p.Ser560Pro (NM_001363133.2); c.1867T>C, p.Ser623Pro (NM_001364869.1); c.1687T>C, p.Ser563Pro (NM_001364870.1); c.1786T>C, p.Ser596Pro (NM_024790.7); short protein forms S623P, S574P, S587P, S596P, S302P, S560P, S563P, S601P.
Identifiers: ClinVar variation 2113388 (VCV002113388.4), dbSNP rs2489156952, ClinGen allele CA371203771.

ClinVar aggregate classification (germline): Uncertain significance (1 of 4 stars; one submission).

Conditions:
Joubert syndrome 21 (JBTS21). Identifiers: MedGen C3810212, MONDO:0014288, OMIM 615636.

Submission:

Labcorp Genetics (formerly Invitae), Labcorp
Classification: Uncertain significance for Joubert syndrome 21. Last evaluated: 2022-03-18. Review status: criteria provided, single submitter. Criteria: Invitae Variant Classification Sherloc (09022015). Collection method: clinical testing. Allele origin: germline.
Comment: Algorithms developed to predict the effect of missense changes on protein structure and function are either unavailable or do not agree on the potential impact of this missense change (SIFT: "Deleterious"; PolyPhen-2: "Probably Damaging"; Align-GVGD: "Class C0"). This variant has not been reported in the literature in individuals affected with CSPP1-related conditions. This variant is not present in population databases (gnomAD no frequency). This sequence change replaces serine, which is neutral and polar, with proline, which is neutral and non-polar, at codon 596 of the CSPP1 protein (p.Ser596Pro). In summary, the available evidence is currently insufficient to determine the role of this variant in disease. Therefore, it has been classified as a Variant of Uncertain Significance.